The following is an entry in ClinVar:

NM_001032283.3(TMPO):c.565+2281C>T

Gene: TMPO (thymopoietin; plus strand). Cytogenetic location: 12q23.1.
Variant type: single nucleotide variant.
Coding change: c.565+2281C>T on transcript NM_001032283.3 (MANE Select); 2281 bases into the intron after coding-DNA position 565, C replaced by T.
Molecular consequence: intron variant. On other transcripts: missense variant (1).
Genome position (GRCh38, 1-based): chr12:98,534,119, C>T. VCF-style: chr12-98534119-C-T. GRCh37 (hg19) VCF-style: chr12-98927897-C-T.
Other names: c.1862C>T, p.Thr621Ile (NM_003276.2); c.565+2281C>T (NM_001307975.2, NM_001032284.3); short protein forms T621I.
Identifiers: ClinVar variation 1516249 (VCV001516249.8), dbSNP rs1877412433, ClinGen allele CA386154092.

ClinVar aggregate classification (germline): Uncertain significance (1 of 4 stars; one submission).

Conditions:
Loeys-Dietz syndrome 2 (LDS2). Also called: TGFBR2-Related Loeys-Dietz Syndrome; Marfan Syndrome type 2; Marfan like connective tissue disorder; MFS 2; Marfan syndrome, type 2 (formerly); AORTIC ANEURYSM, FAMILIAL THORACIC 3. Identifiers: Orphanet 284973, Orphanet 558, MedGen C2674574, MONDO:0012427, OMIM 610168.

Allele frequency attached by ClinVar (database versions not stated): gnomAD exomes below 0.00001.
gnomAD v4.1: 2 of 1,613,744 alleles (0.00012%); highest among the groups gnomAD compares: Non-Finnish European, 0.00017%; no homozygotes.

Submission:

Labcorp Genetics (formerly Invitae), Labcorp
Classification: Uncertain significance for Loeys-Dietz syndrome 2. Last evaluated: 2020-12-06. Review status: criteria provided, single submitter. Criteria: Invitae Variant Classification Sherloc (09022015). Collection method: clinical testing. Allele origin: germline.
Comment: This variant is not present in population databases (ExAC no frequency). This sequence change replaces threonine with isoleucine at codon 621 of the TMPO protein (p.Thr621Ile). The threonine residue is weakly conserved and there is a moderate physicochemical difference between threonine and isoleucine. This variant has not been reported in the literature in individuals with TMPO-related conditions. Algorithms developed to predict the effect of missense changes on protein structure and function are either unavailable or do not agree on the potential impact of this missense change (SIFT: "Tolerated"; PolyPhen-2: "Possibly Damaging"; Align-GVGD: "Class C0"). In summary, the available evidence is currently insufficient to determine the role of this variant in disease. Therefore, it has been classified as a Variant of Uncertain Significance.